The following is an entry in ClinVar:

ClinVar aggregate classification (germline): Uncertain significance (1 of 4 stars; one submission).

Conditions:
Werner syndrome (WRN). Identifiers: Orphanet 902, MedGen C0043119, MONDO:0010196, OMIM 277700.

Submission:

Labcorp Genetics (formerly Invitae), Labcorp
Classification: Uncertain significance for Werner syndrome. Last evaluated: 2025-06-22. Review status: criteria provided, single submitter. Criteria: Invitae Variant Classification Sherloc (09022015). Collection method: clinical testing. Allele origin: germline.
Comment: This sequence change replaces arginine, which is basic and polar, with glycine, which is neutral and non-polar, at codon 812 of the WRN protein (p.Arg812Gly). This variant is not present in population databases (gnomAD no frequency). This variant has not been reported in the literature in individuals affected with WRN-related conditions. An algorithm developed to predict the effect of missense changes on protein structure and function (PolyPhen-2) suggests that this variant is likely to be disruptive. In summary, the available evidence is currently insufficient to determine the role of this variant in disease. Therefore, it has been classified as a Variant of Uncertain Significance.

NM_000553.6(WRN):c.2434A>G (p.Arg812Gly)

Gene: WRN (WRN RecQ like helicase; plus strand). Cytogenetic location: 8p12.
Variant type: single nucleotide variant.
Coding change: c.2434A>G on transcript NM_000553.6 (MANE Select); coding-DNA position 2434, A replaced by G.
Protein change: p.Arg812Gly; replaces arginine 812 with glycine.
Molecular consequence: missense variant.
Genome position (GRCh38, 1-based): chr8:31,116,514, A>G. VCF-style: chr8-31116514-A-G. GRCh37 (hg19) VCF-style: chr8-30974030-A-G.
Other names: short protein forms R812G.
Identifiers: ClinVar variation 4721799 (VCV004721799.1).
Genomic context (GRCh38, chr8:31,116,514, plus strand): 5'-GGAACATACCATGCGGGCATGAGTTTTAGCACAAGGAAAGACATTCATCATAGGTTTGTA[A>G]GAGATGAAATTCAGGTATGAGGATCAATCATCATTGCTCTCCGTTGCTCATAGTGGAAGT-3'
Protein context (NP_000544.2, residues 802-822): TRKDIHHRFV[Arg812Gly]DEIQCVIATI